The following is an entry in ClinVar:

NM_020988.3(GNAO1):c.725A>C (p.Asn242Thr)

Gene: GNAO1 (G protein subunit alpha o1; plus strand). Cytogenetic location: 16q13.
Variant type: single nucleotide variant.
Coding change: c.725A>C on transcript NM_020988.3 (MANE Select); coding-DNA position 725, A replaced by C.
Protein change: p.Asn242Thr; replaces asparagine 242 with threonine.
Molecular consequence: missense variant.
Genome position (GRCh38, 1-based): chr16:56,351,385, A>C. VCF-style: chr16-56351385-A-C. GRCh37 (hg19) VCF-style: chr16-56385297-A-C.
Other names: short protein forms N242T.
Identifiers: ClinVar variation 427004 (VCV000427004.2), dbSNP rs1085307894, ClinGen allele CA395954565.

ClinVar aggregate classification (germline): Pathogenic (1 of 4 stars; one submission).

Submission:

GeneDx
Classification: Pathogenic. Last evaluated: 2017-12-05. Review status: criteria provided, single submitter. Criteria: GeneDx Variant Classification (06012015). Collection method: clinical testing. Allele origin: germline. Affected: yes.
Comment: The N242T variant in the GNAO1 gene has not been reported previously as a pathogenic variant nor as a benign variant, to our knowledge. The N242T variant is not observed in large population cohorts (Lek et al., 2016). The N242T variant is a conservative amino acid substitution, which is not likely to impact secondary protein structure as these residues share similar properties. In-silico analyses, including protein predictors and evolutionary conservation, support a deleterious effect. This variant has been reported as a de novo variant with confirmed parentage in multiple patients with a GNAO1-related disorder previously tested at GeneDx. We interpret N242T as a pathogenic variant.